The following is an entry in ClinVar:

ClinVar aggregate classification (germline): Uncertain significance. Review status: criteria provided, multiple submitters, no conflicts (2 of 4 stars). 2 submissions from 2 submitters: Uncertain significance (2). Last evaluated 2024-12-20.

Conditions:
Fanconi anemia (FA). Also called: Fanconi's anemia. Identifiers: Orphanet 84, MedGen C0015625, MeSH D005199, MONDO:0019391.
Inborn genetic diseases. Identifiers: MedGen C0950123, MeSH D030342.

Allele frequency attached by ClinVar (database versions not stated): gnomAD exomes below 0.00001; ExAC 0.00001.
gnomAD v4.1: 7 of 1,614,014 alleles (0.00043%); highest among the groups gnomAD compares: Admixed American, 0.005%; no homozygotes.

Submissions (2):

Ambry Genetics
Classification: Uncertain significance for Inborn genetic diseases. Last evaluated: 2024-12-20. Review status: criteria provided, single submitter. Criteria: Ambry Variant Classification Scheme 2023. Collection method: clinical testing. Allele origin: germline.
Comment: The p.S426C variant (also known as c.1277C>G), located in coding exon 10 of the FANCG gene, results from a C to G substitution at nucleotide position 1277. The serine at codon 426 is replaced by cysteine, an amino acid with dissimilar properties. This amino acid position is conserved. In addition, this alteration is predicted to be tolerated by in silico analysis. Based on the available evidence, the clinical significance of this variant remains unclear.

Labcorp Genetics (formerly Invitae), Labcorp
Classification: Uncertain significance for Fanconi anemia. Last evaluated: 2022-04-07. Review status: criteria provided, single submitter. Criteria: Invitae Variant Classification Sherloc (09022015). Collection method: clinical testing. Allele origin: germline.
Comment: This sequence change replaces serine, which is neutral and polar, with cysteine, which is neutral and slightly polar, at codon 426 of the FANCG protein (p.Ser426Cys). This variant is present in population databases (rs764032365, gnomAD 0.003%). This variant has not been reported in the literature in individuals affected with FANCG-related conditions. Algorithms developed to predict the effect of missense changes on protein structure and function are either unavailable or do not agree on the potential impact of this missense change (SIFT: "Deleterious"; PolyPhen-2: "Possibly Damaging"; Align-GVGD: "Class C15"). In summary, the available evidence is currently insufficient to determine the role of this variant in disease. Therefore, it has been classified as a Variant of Uncertain Significance.

NM_004629.2(FANCG):c.1277C>G (p.Ser426Cys)

Gene: FANCG (FA complementation group G; minus strand). Cytogenetic location: 9p13.3.
Variant type: single nucleotide variant.
Coding change: c.1277C>G on transcript NM_004629.2 (MANE Select); coding-DNA position 1277, C replaced by G.
Protein change: p.Ser426Cys; replaces serine 426 with cysteine.
Molecular consequence: missense variant.
Genome position (GRCh38, 1-based): chr9:35,075,621, G>C on the plus strand (C>G on the coding strand, the complement: FANCG is on the minus strand). VCF-style: chr9-35075621-G-C. GRCh37 (hg19) VCF-style: chr9-35075618-G-C.
Other names: short protein forms S426C.
Identifiers: ClinVar variation 2158956 (VCV002158956.2), dbSNP rs764032365, ClinGen allele CA5039783.